The following is an entry in ClinVar:

ClinVar aggregate classification (germline): Uncertain significance (1 of 4 stars; one submission).

gnomAD v4.1: 1 of 1,614,158 alleles (0.000062%); highest among the groups gnomAD compares: Non-Finnish European, 0.000085%; no homozygotes.

Submission:

Ambry Genetics
Classification: Uncertain significance. Last evaluated: 2024-12-17. Review status: criteria provided, single submitter. Criteria: Ambry Variant Classification Scheme 2023. Collection method: clinical testing. Allele origin: germline.
Comment: The p.T624I variant (also known as c.1871C>T), located in coding exon 2 of the CDK12 gene, results from a C to T substitution at nucleotide position 1871. The threonine at codon 624 is replaced by isoleucine, an amino acid with similar properties. This amino acid position is conserved. In addition, the in silico prediction for this alteration is inconclusive. Based on the available evidence, the clinical significance of this variant remains unclear.

NM_016507.4(CDK12):c.1871C>T (p.Thr624Ile)

Gene: CDK12 (cyclin dependent kinase 12; plus strand). Cytogenetic location: 17q12.
Variant type: single nucleotide variant.
Coding change: c.1871C>T on transcript NM_016507.4 (MANE Select); coding-DNA position 1871, C replaced by T.
Protein change: p.Thr624Ile; replaces threonine 624 with isoleucine.
Molecular consequence: missense variant.
Genome position (GRCh38, 1-based): chr17:39,471,703, C>T. VCF-style: chr17-39471703-C-T. GRCh37 (hg19) VCF-style: chr17-37627956-C-T.
Other names: c.1871C>T, p.Thr624Ile (NM_015083.4); short protein forms T624I.
Identifiers: ClinVar variation 3830370 (VCV003830370.1).
Genomic context (GRCh38, chr17:39,471,703, plus strand): 5'-CTGTACAGGTTTCTGTGAAGACTCAAGTATCTGTAACAGCTGCTATTCCACACCTGAAAA[C>T]TTCAACGTTGCCTCCTTTGCCCCTCCCACCCTTATTACCTGGAGATGATGACATGGATAG-3'
Protein context (NP_057591.2, residues 614-634): SVTAAIPHLK[Thr624Ile]STLPPLPLPP